The following is an entry in ClinVar:

ClinVar aggregate classification (germline): Uncertain significance. Review status: criteria provided, multiple submitters, no conflicts (2 of 4 stars). 2 submissions from 2 submitters: Uncertain significance (2). Last evaluated 2023-05-03.

Conditions:
Primary open angle glaucoma (POAG). Also called: OPTN-related open angle glaucoma. Identifiers: MedGen C0339573, MONDO:0100553, OMIM 137760.
Amyotrophic lateral sclerosis type 12 (ALS12). Also called: AMYOTROPHIC LATERAL SCLEROSIS 12 WITH OR WITHOUT FRONTOTEMPORAL DEMENTIA. Identifiers: Orphanet 803, MedGen C3150692, MONDO:0013264, OMIM 613435.
Glaucoma 1, open angle, E. Identifiers: MedGen C1842026, MONDO:0007665.
Inborn genetic diseases. Identifiers: MedGen C0950123, MeSH D030342.

Allele frequency attached by ClinVar (database versions not stated): TOPMed below 0.00001; gnomAD exomes 0.00001; ExAC 0.00002.
gnomAD v4.1: 4 of 1,614,180 alleles (0.00025%); highest among the groups gnomAD compares: East Asian, 0.0089%; no homozygotes.

Submissions (2):

Ambry Genetics
Classification: Uncertain significance for Inborn genetic diseases. Last evaluated: 2023-05-03. Review status: criteria provided, single submitter. Criteria: Ambry Variant Classification Scheme 2023. Collection method: clinical testing. Allele origin: germline.

Labcorp Genetics (formerly Invitae), Labcorp
Classification: Uncertain significance for Primary open angle glaucoma; Glaucoma 1, open angle, E; Amyotrophic lateral sclerosis type 12. Last evaluated: 2023-03-14. Review status: criteria provided, single submitter. Criteria: Invitae Variant Classification Sherloc (09022015). Collection method: clinical testing. Allele origin: germline.
Comment: This variant has not been reported in the literature in individuals affected with OPTN-related conditions. This variant is present in population databases (rs758895451, gnomAD 0.03%). This sequence change replaces lysine, which is basic and polar, with threonine, which is neutral and polar, at codon 417 of the OPTN protein (p.Lys417Thr). Advanced modeling of protein sequence and biophysical properties (such as structural, functional, and spatial information, amino acid conservation, physicochemical variation, residue mobility, and thermodynamic stability) performed at Invitae indicates that this missense variant is not expected to disrupt OPTN protein function. In summary, the available evidence is currently insufficient to determine the role of this variant in disease. Therefore, it has been classified as a Variant of Uncertain Significance.

NM_001008212.2(OPTN):c.1250A>C (p.Lys417Thr)

Gene: OPTN (optineurin; plus strand). Cytogenetic location: 10p13.
Variant type: single nucleotide variant.
Coding change: c.1250A>C on transcript NM_001008212.2 (MANE Select); coding-DNA position 1250, A replaced by C.
Protein change: p.Lys417Thr; replaces lysine 417 with threonine.
Molecular consequence: missense variant.
Genome position (GRCh38, 1-based): chr10:13,127,752, A>C. VCF-style: chr10-13127752-A-C. GRCh37 (hg19) VCF-style: chr10-13169752-A-C.
Other names: c.1250A>C, p.Lys417Thr (NM_001008211.1, NM_001008213.1, NM_021980.4); short protein forms K417T.
Identifiers: ClinVar variation 2545293 (VCV002545293.5), dbSNP rs758895451, ClinGen allele CA5410926.
Genomic context (GRCh38, chr10:13,127,752, plus strand): 5'-AAACAGGCAGAATTATTTCAAAACCATTTCTAGAATAAATGTTTCTTTTTCAGTCAGAAA[A>C]AGTGGACAGGGCAGTGCTGAAGGAACTGAGTGAAAAACTGGAACTGGCAGAGAAGGCTCT-3'
Protein context (NP_001008213.1, residues 407-427): IEELTRKESE[Lys417Thr]VDRAVLKELS